The following is an entry in ClinVar:

NM_015512.5(DNAH1):c.1814A>G (p.Tyr605Cys)

Gene: DNAH1 (dynein axonemal heavy chain 1; plus strand). Cytogenetic location: 3p21.1.
Variant type: single nucleotide variant.
Coding change: c.1814A>G on transcript NM_015512.5 (MANE Select); coding-DNA position 1814, A replaced by G.
Protein change: p.Tyr605Cys; replaces tyrosine 605 with cysteine.
Molecular consequence: missense variant.
Genome position (GRCh38, 1-based): chr3:52,346,629, A>G. VCF-style: chr3-52346629-A-G. GRCh37 (hg19) VCF-style: chr3-52380645-A-G.
Other names: c.1814A>G (NM_015512.4); short protein forms Y605C.
Identifiers: ClinVar variation 1412131 (VCV001412131.6), dbSNP rs374932504, ClinGen allele CA74737504.

ClinVar aggregate classification (germline): Uncertain significance. Review status: criteria provided, multiple submitters, no conflicts (2 of 4 stars). 2 submissions from 2 submitters: Uncertain significance (2). Last evaluated 2024-07-14.

Conditions:
Spermatogenic failure 18. Identifiers: MedGen C4539783, MONDO:0054615, OMIM 617576.
Ciliary dyskinesia, primary, 37 (CILD37). Also called: CILIARY DYSKINESIA, PRIMARY, 37, WITH OR WITHOUT SITUS INVERSUS. Identifiers: MedGen C4539798, MONDO:0033204, OMIM 617577.

Allele frequency attached by ClinVar (database versions not stated): gnomAD exomes below 0.00001 and 0.00001; ESP Exome Variant Server 0.00008.
gnomAD v4.1: 4 of 1,614,062 alleles (0.00025%); highest among the groups gnomAD compares: Non-Finnish European, 0.00034%; no homozygotes.

Submissions (2):

Ambry Genetics
Classification: Uncertain significance. Last evaluated: 2024-07-14. Review status: criteria provided, single submitter. Criteria: Ambry Variant Classification Scheme 2023. Collection method: clinical testing. Allele origin: germline.

Labcorp Genetics (formerly Invitae), Labcorp
Classification: Uncertain significance for Ciliary dyskinesia, primary, 37; Spermatogenic failure 18. Last evaluated: 2021-09-01. Review status: criteria provided, single submitter. Criteria: Invitae Variant Classification Sherloc (09022015). Collection method: clinical testing. Allele origin: germline.
Comment: This sequence change replaces tyrosine with cysteine at codon 605 of the DNAH1 protein (p.Tyr605Cys). The tyrosine residue is moderately conserved and there is a large physicochemical difference between tyrosine and cysteine. This variant is not present in population databases (ExAC no frequency). This variant has not been reported in the literature in individuals affected with DNAH1-related conditions. Algorithms developed to predict the effect of missense changes on protein structure and function are either unavailable or do not agree on the potential impact of this missense change (SIFT: "Deleterious"; PolyPhen-2: "Possibly Damaging"; Align-GVGD: "Class C0"). In summary, the available evidence is currently insufficient to determine the role of this variant in disease. Therefore, it has been classified as a Variant of Uncertain Significance.